The following is an entry in ClinVar:

ClinVar aggregate classification (germline): Uncertain significance. Review status: criteria provided, multiple submitters, no conflicts (2 of 4 stars). 5 submissions from 5 submitters: Uncertain significance (5). Last evaluated 2026-01-06.

Conditions:
Hereditary spherocytosis type 2. Also called: SPHEROCYTOSIS, TYPE 2, AUTOSOMAL DOMINANT. Identifiers: Orphanet 822, MedGen C2674219, MONDO:0000913, OMIM 616649.

Allele frequency attached by ClinVar (database versions not stated): gnomAD exomes 0.00009 and 0.00015; ExAC 0.00011; TOPMed 0.00014; gnomAD 0.00015; ESP Exome Variant Server 0.00023.
gnomAD v4.1: 241 of 1,614,096 alleles (0.015%); highest among the groups gnomAD compares: Non-Finnish European, 0.019%; no homozygotes.

Submissions (5):

Labcorp Genetics (formerly Invitae), Labcorp
Classification: Uncertain significance. Last evaluated: 2026-01-06. Review status: criteria provided, single submitter. Criteria: Invitae Variant Classification Sherloc (09022015). Collection method: clinical testing. Allele origin: germline.
Comment: This sequence change replaces threonine, which is neutral and polar, with isoleucine, which is neutral and non-polar, at codon 316 of the SPTB protein (p.Thr316Ile). This variant is present in population databases (rs146651264, gnomAD 0.02%). This variant has not been reported in the literature in individuals affected with SPTB-related conditions. ClinVar contains an entry for this variant (Variation ID: 313773). An algorithm developed to predict the effect of missense changes on protein structure and function (PolyPhen-2) suggests that this variant is likely to be tolerated. In summary, the available evidence is currently insufficient to determine the role of this variant in disease. Therefore, it has been classified as a Variant of Uncertain Significance.

ARUP Laboratories, Molecular Genetics and Genomics, ARUP Laboratories
Classification: Uncertain significance. Last evaluated: 2024-11-26. Review status: criteria provided, single submitter. Criteria: ARUP Molecular Germline Variant Investigation Process 2024. Collection method: clinical testing. Allele origin: germline.
Comment: The SPTB c.947C>T; p.Thr316Ile variant (rs146651264), to our knowledge, is not reported in the medical literature but is reported in ClinVar (Variation ID: 313773). This variant is found in the general population with an overall allele frequency of 0.009% (26/282,840 alleles) in the Genome Aggregation Database (v2.1.1). Computational analyses predict that this variant is neutral (REVEL: 0.09). However, given the lack of clinical and functional data, the significance of this variant is uncertain at this time.

Blueprint Genetics
Classification: Uncertain significance. Last evaluated: 2024-10-25. Review status: criteria provided, single submitter. Criteria: ACMG Guidelines, 2015. Collection method: clinical testing. Allele origin: germline.

Mayo Clinic Laboratories, Mayo Clinic
Classification: Uncertain significance. Last evaluated: 2022-02-01. Review status: criteria provided, single submitter. Criteria: ACMG Guidelines, 2015. Collection method: clinical testing. Allele origin: germline. Observed: 1 variant allele.
Comment: BP4

Neuberg Centre For Genomic Medicine, NCGM
Classification: Uncertain significance for Hereditary spherocytosis type 2. Review status: criteria provided, single submitter. Criteria: ACMG Guidelines, 2015. Collection method: clinical testing. Allele origin: germline. Inheritance: Autosomal dominant inheritance. Affected: yes.
Comment: The c.947C>T (p.Thr316Ile) missense variant in SPTB gene has been submitted to ClinVar as a Variant of Uncertain Significance. It has not been reported in affected individuals. This variant is reported with the allele frequency (0.008%) in the gnomAD and novel in 1000 genome database. The amino acid Thr at position 316 is changed to a Ile changing protein sequence and it might alter its composition and physico-chemical properties. For these reasons, this variant has been classified as Variant of Uncertain Significance (VUS).

NM_001355436.2(SPTB):c.947C>T (p.Thr316Ile)

Gene: SPTB (spectrin beta, erythrocytic; minus strand). Cytogenetic location: 14q23.3.
Variant type: single nucleotide variant.
Coding change: c.947C>T on transcript NM_001355436.2 (MANE Select); coding-DNA position 947, C replaced by T.
Protein change: p.Thr316Ile; replaces threonine 316 with isoleucine.
Molecular consequence: missense variant.
Genome position (GRCh38, 1-based): chr14:64,799,864, G>A on the plus strand (C>T on the coding strand, the complement: SPTB is on the minus strand). VCF-style: chr14-64799864-G-A. GRCh37 (hg19) VCF-style: chr14-65266582-G-A.
Other names: p.Thr316Ile; c.947C>T, p.Thr316Ile (NM_001024858.4, NM_001355437.2); c.947C>T (NM_001355436.1); short protein forms T316I.
Identifiers: ClinVar variation 313773 (VCV000313773.9), dbSNP rs146651264, ClinGen allele CA7231269.
Genomic context (GRCh38, chr14:64,799,864, plus strand): 5'-CCCGTCAGCGAGTTGGCAAACTTGCGGCTGTTCAGGACAGTGATGGTCTGCTCGATCCAG[G>A]TGAGCAGGTCCGAGGCTAGCCCGCTGTACTTTTCAATCATCTTCTCAGTCTCAATGGCAT-3'
Protein context (NP_001342365.1, residues 306-326): KYSGLASDLL[Thr316Ile]WIEQTITVLN